The following is an entry in ClinVar:

NM_001942.4(DSG1):c.2810T>G (p.Leu937Arg)

Genes: DSG1 (desmoglein 1; plus strand), DSG1-AS1 (DSG1 antisense RNA 1; minus strand). Cytogenetic location: 18q12.1.
Variant type: single nucleotide variant.
Coding change: c.2810T>G on transcript NM_001942.4 (MANE Select); coding-DNA position 2810, T replaced by G.
Protein change: p.Leu937Arg; replaces leucine 937 with arginine.
Molecular consequence: missense variant.
Genome position (GRCh38, 1-based): chr18:31,355,006, T>G. VCF-style: chr18-31355006-T-G. GRCh37 (hg19) VCF-style: chr18-28934969-T-G.
Other names: short protein forms L937R.
Identifiers: ClinVar variation 2789719 (VCV002789719.3), dbSNP rs1205950131, ClinGen allele CA402124639.

ClinVar aggregate classification (germline): Uncertain significance (1 of 4 stars; one submission).

Allele frequency attached by ClinVar (database versions not stated): gnomAD exomes below 0.00001; gnomAD 0.00001; TOPMed 0.00002.
gnomAD v4.1: 6 of 1,614,118 alleles (0.00037%); highest among the groups gnomAD compares: African/African-American, 0.0013%; no homozygotes.

Submission:

Labcorp Genetics (formerly Invitae), Labcorp
Classification: Uncertain significance. Last evaluated: 2024-01-31. Review status: criteria provided, single submitter. Criteria: Invitae Variant Classification Sherloc (09022015). Collection method: clinical testing. Allele origin: germline.
Comment: This sequence change replaces leucine, which is neutral and non-polar, with arginine, which is basic and polar, at codon 937 of the DSG1 protein (p.Leu937Arg). This variant is present in population databases (no rsID available, gnomAD 0.007%). This variant has not been reported in the literature in individuals affected with DSG1-related conditions. An algorithm developed to predict the effect of missense changes on protein structure and function (PolyPhen-2) suggests that this variant is likely to be disruptive. In summary, the available evidence is currently insufficient to determine the role of this variant in disease. Therefore, it has been classified as a Variant of Uncertain Significance.